The following is an entry in ClinVar:

NM_022436.3(ABCG5):c.145del (p.His49fs)

Gene: ABCG5 (ATP binding cassette subfamily G member 5; minus strand). Cytogenetic location: 2p21.
Variant type: Deletion.
Coding change: c.145del on transcript NM_022436.3 (MANE Select); coding-DNA position 145, one base deleted (C; older notation c.145delC).
Protein change: p.His49fs; shifts the reading frame from histidine 49.
Molecular consequence: frameshift variant.
Genome position (GRCh38, 1-based): chr2:43,837,954, G deleted on the plus strand (C on the coding strand, the reverse complement: ABCG5 is on the minus strand); the first of 2 consecutive G bases (chr2:43,837,954-43,837,955); deleting either gives the same sequence. VCF-style (leftmost placement, unchanged base first): chr2-43837953-TG-T. GRCh37 (hg19) VCF-style: chr2-44065092-TG-T.
Other names: short protein forms H49fs.
Identifiers: ClinVar variation 3671907 (VCV003671907.2).

ClinVar aggregate classification (germline): Pathogenic (1 of 4 stars; one submission).

Conditions:
Sitosterolemia (STSL). Also called: PHYTOSTEROLEMIA. Identifiers: Orphanet 2882, MedGen C0342907, MONDO:0008863.

Submission:

Labcorp Genetics (formerly Invitae), Labcorp
Classification: Pathogenic for Sitosterolemia. Last evaluated: 2024-07-26. Review status: criteria provided, single submitter. Criteria: Invitae Variant Classification Sherloc (09022015). Collection method: clinical testing. Allele origin: germline.
Comment: This sequence change creates a premature translational stop signal (p.His49Thrfs*3) in the ABCG5 gene. It is expected to result in an absent or disrupted protein product. Loss-of-function variants in ABCG5 are known to be pathogenic (PMID: 11138003, 25665839). This variant is not present in population databases (gnomAD no frequency). This variant has not been reported in the literature in individuals affected with ABCG5-related conditions. For these reasons, this variant has been classified as Pathogenic.

Literature cited by the submitters: PubMed 11138003; PubMed 25665839.